The following is an entry in ClinVar:

NM_138927.4(SON):c.2302A>C (p.Thr768Pro)

Gene: SON (SON DNA and RNA binding protein; plus strand). Cytogenetic location: 21q22.11.
Variant type: single nucleotide variant.
Coding change: c.2302A>C on transcript NM_138927.4 (MANE Select); coding-DNA position 2302, A replaced by C.
Protein change: p.Thr768Pro; replaces threonine 768 with proline.
Molecular consequence: missense variant. On other transcripts: non-coding transcript variant (1), intron variant (1).
Genome position (GRCh38, 1-based): chr21:33,551,533, A>C. VCF-style: chr21-33551533-A-C. GRCh37 (hg19) VCF-style: chr21-34923839-A-C.
Other names: c.2302A>C, p.Thr768Pro (NM_001291411.2, NM_032195.3); c.244+5154A>C (NM_001291412.3); short protein forms T768P.
Identifiers: ClinVar variation 4798189 (VCV004798189.1).

ClinVar aggregate classification (germline): Uncertain significance (1 of 4 stars; one submission).

gnomAD v4.1: 6 of 1,612,726 alleles (0.00037%); highest among the groups gnomAD compares: Non-Finnish European, 0.00051%; no homozygotes.

Submission:

Labcorp Genetics (formerly Invitae), Labcorp
Classification: Uncertain significance. Last evaluated: 2025-10-08. Review status: criteria provided, single submitter. Criteria: Invitae Variant Classification Sherloc (09022015). Collection method: clinical testing. Allele origin: germline.
Comment: This sequence change replaces threonine, which is neutral and polar, with proline, which is neutral and non-polar, at codon 768 of the SON protein (p.Thr768Pro). This variant is present in population databases (rs770256174, gnomAD 0.002%). This variant has not been reported in the literature in individuals affected with SON-related conditions. An algorithm developed to predict the effect of missense changes on protein structure and function (PolyPhen-2) suggests that this variant is likely to be disruptive. In summary, the available evidence is currently insufficient to determine the role of this variant in disease. Therefore, it has been classified as a Variant of Uncertain Significance.